The following is an entry in ClinVar:

NM_002691.4(POLD1):c.2936C>A (p.Ala979Asp)

Gene: POLD1 (DNA polymerase delta 1, catalytic subunit; plus strand). Cytogenetic location: 19q13.33.
Variant type: single nucleotide variant.
Coding change: c.2936C>A on transcript NM_002691.4 (MANE Select); coding-DNA position 2936, C replaced by A.
Protein change: p.Ala979Asp; replaces alanine 979 with aspartic acid.
Molecular consequence: missense variant. On other transcripts: non-coding transcript variant (1).
Genome position (GRCh38, 1-based): chr19:50,416,511, C>A. VCF-style: chr19-50416511-C-A. GRCh37 (hg19) VCF-style: chr19-50919768-C-A.
Other names: c.2936C>A, p.Ala979Asp (NM_001256849.1); c.3014C>A, p.Ala1005Asp (NM_001308632.1); c.2936C>A (NM_002691.2); short protein forms A979D, A1005D.
Identifiers: ClinVar variation 2092453 (VCV002092453.5), dbSNP rs2514066707, ClinGen allele CA406986653.

ClinVar aggregate classification (germline): Uncertain significance. Review status: criteria provided, multiple submitters, no conflicts (2 of 4 stars). 2 submissions from 2 submitters: Uncertain significance (2). Last evaluated 2026-07-15.

Conditions:
Hereditary cancer-predisposing syndrome. Also called: Tumor predisposition; Hereditary Cancer Syndrome; Hereditary neoplastic syndrome; Neoplastic Syndromes, Hereditary. Identifiers: Orphanet 140162, MedGen C0027672, MeSH D009386, MONDO:0015356.
POLD1-related polyposis and colorectal cancer syndrome (CRCS10). Also called: Colorectal cancer 10; Colorectal cancer, susceptibility to, 10; COLORECTAL CANCER, SUSCEPTIBILITY TO, ON CHROMOSOME 19q. Identifiers: Orphanet 220460, MedGen C2675481, MONDO:0012953, OMIM 612591.

Submissions (2):

Ambry Genetics
Classification: Uncertain significance for Hereditary cancer-predisposing syndrome. Last evaluated: 2026-07-15. Review status: criteria provided, single submitter. Criteria: Ambry Variant Classification Scheme 2023. Collection method: clinical testing. Allele origin: germline.
Comment: The p.A979D variant (also known as c.2936C>A), located in coding exon 22 of the POLD1 gene, results from a C to A substitution at nucleotide position 2936. The alanine at codon 979 is replaced by aspartic acid, an amino acid with dissimilar properties. This amino acid position is conserved. In addition, the in silico prediction for this alteration is inconclusive. Based on the available evidence, the clinical significance of this variant remains unclear.

Labcorp Genetics (formerly Invitae), Labcorp
Classification: Uncertain significance for POLD1-related polyposis and colorectal cancer syndrome. Last evaluated: 2022-02-03. Review status: criteria provided, single submitter. Criteria: Invitae Variant Classification Sherloc (09022015). Collection method: clinical testing. Allele origin: germline.
Comment: Algorithms developed to predict the effect of missense changes on protein structure and function are either unavailable or do not agree on the potential impact of this missense change (SIFT: "Deleterious"; PolyPhen-2: "Probably Damaging"; Align-GVGD: "Class C0"). This variant has not been reported in the literature in individuals affected with POLD1-related conditions. This variant is not present in population databases (gnomAD no frequency). This sequence change replaces alanine, which is neutral and non-polar, with aspartic acid, which is acidic and polar, at codon 979 of the POLD1 protein (p.Ala979Asp). In summary, the available evidence is currently insufficient to determine the role of this variant in disease. Therefore, it has been classified as a Variant of Uncertain Significance.